The following is an entry in ClinVar:

ClinVar aggregate classification (germline): Uncertain significance (1 of 4 stars; one submission).

Allele frequency attached by ClinVar (database versions not stated): ExAC 0.00004; gnomAD exomes 0.00004; gnomAD 0.00005; TOPMed 0.00008; ESP Exome Variant Server 0.00023.
gnomAD v4.1: 60 of 1,613,626 alleles (0.0037%); highest among the groups gnomAD compares: African/African-American, 0.011%; no homozygotes.

Submission:

Labcorp Genetics (formerly Invitae), Labcorp
Classification: Uncertain significance. Last evaluated: 2025-11-17. Review status: criteria provided, single submitter. Criteria: Invitae Variant Classification Sherloc (09022015). Collection method: clinical testing. Allele origin: germline.
Comment: This sequence change replaces arginine, which is basic and polar, with glutamine, which is neutral and polar, at codon 5608 of the HMCN1 protein (p.Arg5608Gln). This variant is present in population databases (rs148007859, gnomAD 0.02%). This variant has not been reported in the literature in individuals affected with HMCN1-related conditions. ClinVar contains an entry for this variant (Variation ID: 2155132). An algorithm developed to predict the effect of missense changes on protein structure and function outputs the following: PolyPhen-2: "Benign". The glutamine amino acid residue is found in multiple mammalian species, which suggests that this missense change does not adversely affect protein function. In summary, the available evidence is currently insufficient to determine the role of this variant in disease. Therefore, it has been classified as a Variant of Uncertain Significance.

NM_031935.3(HMCN1):c.16823G>A (p.Arg5608Gln)

Gene: HMCN1 (hemicentin 1; plus strand). Cytogenetic location: 1q31.1.
Variant type: single nucleotide variant.
Coding change: c.16823G>A on transcript NM_031935.3 (MANE Select); coding-DNA position 16823, G replaced by A.
Protein change: p.Arg5608Gln; replaces arginine 5608 with glutamine.
Molecular consequence: missense variant.
Genome position (GRCh38, 1-based): chr1:186,189,793, G>A. VCF-style: chr1-186189793-G-A. GRCh37 (hg19) VCF-style: chr1-186158925-G-A.
Other names: short protein forms R5608Q.
Identifiers: ClinVar variation 2155132 (VCV002155132.4), dbSNP rs148007859, ClinGen allele CA1295660.